The following is an entry in ClinVar:

ClinVar aggregate classification (germline): Uncertain significance (1 of 4 stars; one submission).

Conditions:
Candidiasis, familial, 8 (CANDF8). Identifiers: Orphanet 1334, MedGen C3714992, MONDO:0014230, OMIM 615527.

Allele frequency attached by ClinVar (database versions not stated): gnomAD 0.00003; TOPMed 0.00003; gnomAD exomes 0.00004 and 0.00007; ExAC 0.00005; ESP Exome Variant Server 0.00008.
gnomAD v4.1: 99 of 1,614,106 alleles (0.0061%); highest among the groups gnomAD compares: South Asian, 0.011%; no homozygotes.

Submission:

Labcorp Genetics (formerly Invitae), Labcorp
Classification: Uncertain significance for Candidiasis, familial, 8. Last evaluated: 2022-06-19. Review status: criteria provided, single submitter. Criteria: Invitae Variant Classification Sherloc (09022015). Collection method: clinical testing. Allele origin: germline.
Comment: This sequence change replaces serine, which is neutral and polar, with phenylalanine, which is neutral and non-polar, at codon 56 of the TRAF3IP2 protein (p.Ser56Phe). The frequency data for this variant in the population databases is considered unreliable, as metrics indicate poor data quality at this position in the gnomAD database. This variant has not been reported in the literature in individuals affected with TRAF3IP2-related conditions. Algorithms developed to predict the effect of missense changes on protein structure and function are either unavailable or do not agree on the potential impact of this missense change (SIFT: "Tolerated"; PolyPhen-2: "Possibly Damaging"; Align-GVGD: "Class C0"). In summary, the available evidence is currently insufficient to determine the role of this variant in disease. Therefore, it has been classified as a Variant of Uncertain Significance.

NM_147686.4(TRAF3IP2):c.167C>T (p.Ser56Phe)

Genes: TRAF3IP2 (TRAF3 interacting protein 2; minus strand), TRAF3IP2-AS1 (TRAF3IP2 antisense RNA 1; plus strand). Cytogenetic location: 6q21.
Variant type: single nucleotide variant.
Coding change: c.167C>T on transcript NM_147686.4 (MANE Select); coding-DNA position 167, C replaced by T.
Protein change: p.Ser56Phe; replaces serine 56 with phenylalanine.
Molecular consequence: missense variant.
Genome position (GRCh38, 1-based): chr6:111,591,920, G>A on the plus strand (C>T on the coding strand, the complement: TRAF3IP2 is on the minus strand). VCF-style: chr6-111591920-G-A. GRCh37 (hg19) VCF-style: chr6-111913123-G-A.
Other names: c.167C>T, p.Ser56Phe (NM_001164281.3); c.194C>T, p.Ser65Phe (NM_147200.3); short protein forms S65F, S56F.
Identifiers: ClinVar variation 1441964 (VCV001441964.3), dbSNP rs368757476, ClinGen allele CA3963371.